The following is an entry in ClinVar:

ClinVar aggregate classification (germline): Pathogenic (1 of 4 stars; one submission).

Conditions:
Pyridoxine-dependent epilepsy (EPEO4). Also called: Pyridoxine-Dependent Seizures; EPILEPSY, EARLY-ONSET, 4, VITAMIN B6-DEPENDENT; PYRIDOXINE DEPENDENCY WITH SEIZURES; Pyridoxine-Dependent Epilepsy - ALDH7A1. Identifiers: Orphanet 3006, MedGen C1849508, MONDO:0009945, OMIM 266100. Disease mechanism: loss of function.

Submission:

Labcorp Genetics (formerly Invitae), Labcorp
Classification: Pathogenic for Pyridoxine-dependent epilepsy. Last evaluated: 2026-01-14. Review status: criteria provided, single submitter. Criteria: Invitae Variant Classification Sherloc (09022015). Collection method: clinical testing. Allele origin: germline.
Comment: This sequence change creates a premature translational stop signal (p.Arg115Serfs*14) in the ALDH7A1 gene. It is expected to result in an absent or disrupted protein product. Loss-of-function variants in ALDH7A1 are known to be pathogenic (PMID: 16491085, 20554659). This variant is not present in population databases (gnomAD no frequency). This variant has not been reported in the literature in individuals affected with ALDH7A1-related conditions. For these reasons, this variant has been classified as Pathogenic.

Literature cited by the submitters: PubMed 16491085; PubMed 20554659.

NM_001182.5(ALDH7A1):c.345del (p.Arg115fs)

Gene: ALDH7A1 (aldehyde dehydrogenase 7 family member A1; minus strand). Cytogenetic location: 5q23.2.
Variant type: Deletion.
Coding change: c.345del on transcript NM_001182.5 (MANE Select); coding-DNA position 345, one base deleted (A; older notation c.345delA).
Protein change: p.Arg115fs; shifts the reading frame from arginine 115.
Molecular consequence: frameshift variant.
Genome position (GRCh38, 1-based): chr5:126,583,980, T deleted on the plus strand (A on the coding strand, the reverse complement: ALDH7A1 is on the minus strand). VCF-style (leftmost placement, unchanged base first): chr5-126583979-GT-G. GRCh37 (hg19) VCF-style: chr5-125919671-GT-G.
Other names: c.261del, p.Arg87fs (NM_001201377.2); c.345del, p.Arg115fs (NM_001202404.2); short protein forms R87fs, R115fs.
Identifiers: ClinVar variation 4735383 (VCV004735383.1).
Genomic context (GRCh38, chr5:126,583,979, plus strand): 5'-AAAAATACTTTACCAAGCTTCCTAGTACTTGGATCTTCTCCCGCAAGGCATCGCCAATCT[GT>G]CTTACTATTTCTCCTCGTTTTGGAGCAGGAATCTAAGAAAAGAATGCAATTTTTGTGTCT-3'